The following is an entry in ClinVar:

NM_018718.3(CEP41):c.53C>T (p.Pro18Leu)

Gene: CEP41 (centrosomal protein 41; minus strand). Cytogenetic location: 7q32.2.
Variant type: single nucleotide variant.
Coding change: c.53C>T on transcript NM_018718.3 (MANE Select); coding-DNA position 53, C replaced by T.
Protein change: p.Pro18Leu; replaces proline 18 with leucine.
Molecular consequence: missense variant. On other transcripts: non-coding transcript variant (1).
Genome position (GRCh38, 1-based): chr7:130,427,999, G>A on the plus strand (C>T on the coding strand, the complement: CEP41 is on the minus strand). VCF-style: chr7-130427999-G-A. GRCh37 (hg19) VCF-style: chr7-130067840-G-A.
Other names: c.53C>T, p.Pro18Leu (NM_001257158.2, NM_001257159.2, NM_001257160.2); short protein forms P18L.
Identifiers: ClinVar variation 358945 (VCV000358945.6), dbSNP rs111688621, ClinGen allele CA4485715.

ClinVar aggregate classification (germline): Uncertain significance. Review status: criteria provided, multiple submitters, no conflicts (2 of 4 stars). 2 submissions from 2 submitters: Uncertain significance (2). Last evaluated 2022-09-09.

Conditions:
Joubert syndrome 15 (JBTS15). Identifiers: Orphanet 475, MedGen C3280897, MONDO:0013763, OMIM 614464.

Allele frequency attached by ClinVar (database versions not stated): gnomAD exomes below 0.00001 and 0.00002; ExAC 0.00001; gnomAD 0.00001 and 0.00002; TOPMed 0.00002; 1000 Genomes Project 30x 0.00016.
gnomAD v4.1: 30 of 1,603,452 alleles (0.0019%); highest among the groups gnomAD compares: Non-Finnish European, 0.0025%; no homozygotes.

Submissions (2):

GeneDx
Classification: Uncertain significance. Last evaluated: 2022-09-09. Review status: criteria provided, single submitter. Criteria: GeneDx Variant Classification Process June 2021. Collection method: clinical testing. Allele origin: germline. Affected: yes.
Comment: Not observed at significant frequency in large population cohorts (gnomAD); In silico analysis supports that this missense variant has a deleterious effect on protein structure/function; Has not been previously published as pathogenic or benign to our knowledge

Illumina Laboratory Services, Illumina
Classification: Uncertain significance for Joubert syndrome 15. Last evaluated: 2018-01-12. Review status: criteria provided, single submitter. Criteria: ICSL Variant Classification Criteria 13 December 2019. Collection method: clinical testing. Allele origin: germline.